The following is an entry in ClinVar:

NM_015102.5(NPHP4):c.3886C>T (p.Leu1296Phe)

Gene: NPHP4 (nephrocystin 4; minus strand). Cytogenetic location: 1p36.31.
Variant type: single nucleotide variant.
Coding change: c.3886C>T on transcript NM_015102.5 (MANE Select); coding-DNA position 3886, C replaced by T.
Protein change: p.Leu1296Phe; replaces leucine 1296 with phenylalanine.
Molecular consequence: missense variant. On other transcripts: non-coding transcript variant (1).
Genome position (GRCh38, 1-based): chr1:5,864,448, G>A on the plus strand (C>T on the coding strand, the complement: NPHP4 is on the minus strand). VCF-style: chr1-5864448-G-A. GRCh37 (hg19) VCF-style: chr1-5924508-G-A.
Other names: c.2347C>T, p.Leu783Phe (NM_001291593.2); c.2350C>T, p.Leu784Phe (NM_001291594.2); short protein forms L783F, L1296F, L784F.
Identifiers: ClinVar variation 1440887 (VCV001440887.6), dbSNP rs2100388131, ClinGen allele CA338049783.
Genomic context (GRCh38, chr1:5,864,448, plus strand): 5'-CCAGCTGGTGGCAATCCACGTCCACCAGGTTGAGATGGACAAAGCGGCTGCCGGCCCTAA[G>A]GGGCCTCACGCCAACATGCAGGTCCTGCACCCCACGAGGCGGCAGCACGAAGACACCTTT-3'
Protein context (NP_055917.1, residues 1286-1306): VQDLHVGVRP[Leu1296Phe]RAGSRFVHLN

ClinVar aggregate classification (germline): Uncertain significance (1 of 4 stars; one submission).

Conditions:
Nephronophthisis. Also called: Juvenile Nephronophthisis. Identifiers: Orphanet 655, MedGen C0687120, MONDO:0019005, HP:0000090.

Allele frequency attached by ClinVar (database versions not stated): gnomAD exomes below 0.00001.
gnomAD v4.1: 1 of 1,606,392 alleles (0.000062%); highest among the groups gnomAD compares: Non-Finnish European, 0.000085%; no homozygotes.

Submission:

Labcorp Genetics (formerly Invitae), Labcorp
Classification: Uncertain significance for Nephronophthisis. Last evaluated: 2022-06-13. Review status: criteria provided, single submitter. Criteria: Invitae Variant Classification Sherloc (09022015). Collection method: clinical testing. Allele origin: germline.
Comment: This sequence change replaces leucine, which is neutral and non-polar, with phenylalanine, which is neutral and non-polar, at codon 1296 of the NPHP4 protein (p.Leu1296Phe). This variant is not present in population databases (gnomAD no frequency). This variant has not been reported in the literature in individuals affected with NPHP4-related conditions. Algorithms developed to predict the effect of missense changes on protein structure and function (SIFT, PolyPhen-2, Align-GVGD) all suggest that this variant is likely to be tolerated. In summary, the available evidence is currently insufficient to determine the role of this variant in disease. Therefore, it has been classified as a Variant of Uncertain Significance.